The following is an entry in ClinVar:

NM_000234.3(LIG1):c.2497G>A (p.Asp833Asn)

Gene: LIG1 (DNA ligase 1; minus strand). Cytogenetic location: 19q13.33.
Variant type: single nucleotide variant.
Coding change: c.2497G>A on transcript NM_000234.3 (MANE Select); coding-DNA position 2497, G replaced by A.
Protein change: p.Asp833Asn; replaces aspartic acid 833 with asparagine.
Molecular consequence: missense variant. On other transcripts: non-coding transcript variant (6).
Genome position (GRCh38, 1-based): chr19:48,117,724, C>T on the plus strand (G>A on the coding strand, the complement: LIG1 is on the minus strand). VCF-style: chr19-48117724-C-T. GRCh37 (hg19) VCF-style: chr19-48620981-C-T.
Other names: c.2404G>A, p.Asp802Asn (NM_001289063.2); c.2293G>A, p.Asp765Asn (NM_001289064.2); c.2494G>A, p.Asp832Asn (NM_001320970.2); c.2407G>A, p.Asp803Asn (NM_001320971.2); short protein forms D765N, D802N, D803N, D832N, D833N.
Identifiers: ClinVar variation 3607593 (VCV003607593.3).

ClinVar aggregate classification (germline): Uncertain significance. Review status: criteria provided, multiple submitters, no conflicts (2 of 4 stars). 2 submissions from 2 submitters: Uncertain significance (2). Last evaluated 2025-01-08.

gnomAD v4.1: 14 of 1,612,858 alleles (0.00087%); highest among the groups gnomAD compares: Middle Eastern, 0.016%; no homozygotes.

Submissions (2):

Labcorp Genetics (formerly Invitae), Labcorp
Classification: Uncertain significance. Last evaluated: 2025-01-08. Review status: criteria provided, single submitter. Criteria: Invitae Variant Classification Sherloc (09022015). Collection method: clinical testing. Allele origin: germline.
Comment: This sequence change replaces aspartic acid, which is acidic and polar, with asparagine, which is neutral and polar, at codon 833 of the LIG1 protein (p.Asp833Asn). The frequency data for this variant in the population databases is considered unreliable, as metrics indicate poor data quality at this position in the gnomAD database. This variant has not been reported in the literature in individuals affected with LIG1-related conditions. An algorithm developed to predict the effect of missense changes on protein structure and function (PolyPhen-2) suggests that this variant is likely to be disruptive. In summary, the available evidence is currently insufficient to determine the role of this variant in disease. Therefore, it has been classified as a Variant of Uncertain Significance.

Blueprint Genetics
Classification: Uncertain significance. Last evaluated: 2021-09-21. Review status: criteria provided, single submitter. Criteria: ACMG Guidelines, 2015. Collection method: clinical testing. Allele origin: germline.